The following is an entry in ClinVar:

ClinVar aggregate classification (germline): Likely benign. Review status: criteria provided, multiple submitters, no conflicts (2 of 4 stars). 2 submissions from 2 submitters: Likely benign (2). Last evaluated 2023-05-12.

Allele frequency attached by ClinVar (database versions not stated): gnomAD 0.00002; gnomAD exomes 0.00002 and 0.00004; TOPMed 0.00002; ExAC 0.00007.
gnomAD v4.1: 39 of 1,587,408 alleles (0.0025%); highest among the groups gnomAD compares: East Asian, 0.013%; no homozygotes.

Submissions (2):

Blueprint Genetics
Classification: Likely benign. Last evaluated: 2023-05-12. Review status: criteria provided, single submitter. Criteria: ACMG Guidelines, 2015. Collection method: clinical testing. Allele origin: germline.

Laboratory for Molecular Medicine, Mass General Brigham Personalized Medicine
Classification: Likely benign. Last evaluated: 2014-07-11. Review status: criteria provided, single submitter. Criteria: LMM Criteria. Collection method: clinical testing. Allele origin: germline. Observed: 1 variant allele.
Comment: Asp3470Asp in exon 45A of TTN: This variant is not expected to have clinical sig nificance because it does not alter an amino acid residue and is not located wit hin the splice consensus sequence.

NM_133379.5(TTN):c.10410C>T (p.Asp3470=)

Gene: TTN (titin; minus strand). Cytogenetic location: 2q31.2.
Variant type: single nucleotide variant.
Coding change: c.10410C>T on transcript NM_133379.5; coding-DNA position 10410, C replaced by T.
Protein change: p.Asp3470=; no amino-acid change (aspartic acid 3470 retained).
Molecular consequence: synonymous variant. On other transcripts: intron variant (6).
Genome position (GRCh38, 1-based): chr2:178,751,990, G>A on the plus strand (C>T on the coding strand, the complement: TTN is on the minus strand). VCF-style: chr2-178751990-G-A. GRCh37 (hg19) VCF-style: chr2-179616717-G-A.
Other names: c.10222+1134C>T (NM_003319.4); c.10798+1134C>T (NM_133437.4); c.10597+1134C>T (NM_133432.3); c.10360+1134C>T (NM_133378.4, NM_001256850.1); c.11311+1134C>T (NM_001267550.2).
Identifiers: ClinVar variation 179871 (VCV000179871.6), dbSNP rs727505183, ClinGen allele CA185314.
Genomic context (GRCh38, chr2:178,751,990, plus strand): 5'-ACTTGCATATCTTTTAGCAGCCATGGATTTGTGGTCTATGTCTTCAGAATCTGAAAAGGC[G>A]TCACGTGTATCCCTTTCTGAATGTTCAGATTCCCCCTCAGAGAATAATTCTGGAAAAAAA-3'